The following is an entry in ClinVar:

ClinVar aggregate classification (germline): Uncertain significance (1 of 4 stars; one submission).

Conditions:
Drash syndrome (DDS). Also called: NEPHROPATHY, WILMS TUMOR, AND GENITAL ANOMALIES; WILMS TUMOR AND PSEUDO- OR TRUE HERMAPHRODITISM. Identifiers: Orphanet 220, MedGen C0950121, MONDO:0008682, OMIM 194080.
Frasier syndrome. Identifiers: Orphanet 347, MedGen C0950122, MeSH D052159, MONDO:0007635, OMIM 136680.
Wilms tumor 1 (WT1). Also called: Wilms tumor, somatic. Identifiers: Orphanet 654, MedGen CN033288, MONDO:0008679, OMIM 194070.
11p partial monosomy syndrome (WAGR). Also called: CHROMOSOME 11p13 DELETION SYNDROME; WAGR syndrome; WAGR Spectrum Disorder; WAGR Complex. Identifiers: Orphanet 893, MedGen C0206115, MONDO:0008681, OMIM 194072.

Submission:

Labcorp Genetics (formerly Invitae), Labcorp
Classification: Uncertain significance for Wilms tumor 1; Drash syndrome; 11p partial monosomy syndrome; Frasier syndrome. Last evaluated: 2021-08-19. Review status: criteria provided, single submitter. Criteria: Invitae Variant Classification Sherloc (09022015). Collection method: clinical testing. Allele origin: germline.
Comment: This sequence change replaces proline with alanine at codon 184 of the WT1 protein (p.Pro184Ala). The proline residue is highly conserved and there is a small physicochemical difference between proline and alanine. This variant is not present in population databases (ExAC no frequency). This variant has not been reported in the literature in individuals affected with WT1-related conditions. Algorithms developed to predict the effect of missense changes on protein structure and function (SIFT, PolyPhen-2, Align-GVGD) all suggest that this variant is likely to be tolerated. In summary, the available evidence is currently insufficient to determine the role of this variant in disease. Therefore, it has been classified as a Variant of Uncertain Significance.

NM_024426.6(WT1):c.565C>G (p.Pro189Ala)

Genes: WT1 (WT1 transcription factor; minus strand), LOC107982234 (WT1/WT1-AS bi-directional promoter region; plus strand). Cytogenetic location: 11p13.
Variant type: single nucleotide variant.
Coding change: c.565C>G on transcript NM_024426.6 (MANE Select); coding-DNA position 565, C replaced by G.
Protein change: p.Pro189Ala; replaces proline 189 with alanine.
Molecular consequence: missense variant. On other transcripts: non-coding transcript variant (1).
Genome position (GRCh38, 1-based): chr11:32,434,796, G>C on the plus strand (C>G on the coding strand, the complement: WT1 is on the minus strand). VCF-style: chr11-32434796-G-C. GRCh37 (hg19) VCF-style: chr11-32456342-G-C.
Other names: c.565C>G, p.Pro189Ala (NM_000378.6, NM_024424.5); short protein forms P189A.
Identifiers: ClinVar variation 1513958 (VCV001513958.6), dbSNP rs1853439331, ClinGen allele CA379964649.